The following is an entry in ClinVar:

ClinVar aggregate classification (germline): Uncertain significance (1 of 4 stars; one submission).

Conditions:
Hereditary cancer-predisposing syndrome. Also called: Neoplastic Syndromes, Hereditary; Tumor predisposition; Hereditary Cancer Syndrome; Hereditary neoplastic syndrome. Identifiers: Orphanet 140162, MedGen C0027672, MeSH D009386, MONDO:0015356.

Submission:

Ambry Genetics
Classification: Uncertain significance for Hereditary cancer-predisposing syndrome. Last evaluated: 2017-02-27. Review status: criteria provided, single submitter. Criteria: Ambry Variant Classification Scheme 2023. Collection method: clinical testing. Allele origin: germline.
Comment: The c.2916delC variant, located in coding exon 22 of the POLD1 gene, results from a deletion of one nucleotide at nucleotide position 2916, causing a translational frameshift with a predicted alternate stop codon (p.I973Sfs*72). This alteration is expected to result in loss of function by premature protein truncation or nonsense-mediated mRNA decay. However, loss of function of POLD1 has not been clearly established as a mechanism of disease. Since supporting evidence is limited at this time, the clinical significance of this alteration remains unclear.

NM_002691.4(POLD1):c.2916del (p.Ile973fs)

Gene: POLD1 (DNA polymerase delta 1, catalytic subunit; plus strand). Cytogenetic location: 19q13.33.
Variant type: Deletion.
Coding change: c.2916del on transcript NM_002691.4 (MANE Select); coding-DNA position 2916, one base deleted (C; older notation c.2916delC).
Protein change: p.Ile973fs; shifts the reading frame from isoleucine 973.
Molecular consequence: frameshift variant. On other transcripts: non-coding transcript variant (1).
Genome position (GRCh38, 1-based): chr19:50,416,491, C deleted; the last of 3 consecutive C bases (chr19:50,416,489-50,416,491); deleting any one gives the same sequence. VCF-style (leftmost placement, unchanged base first): chr19-50416488-GC-G. GRCh37 (hg19) VCF-style: chr19-50919745-GC-G.
Other names: c.2916del, p.Ile973fs (NM_001256849.1); c.2994del, p.Ile999fs (NM_001308632.1); short protein forms I973fs, I999fs.
Identifiers: ClinVar variation 484420 (VCV000484420.5), dbSNP rs1555793339, ClinGen allele CA658658847.